The following is an entry in ClinVar:

NM_001271.4(CHD2):c.1099C>T (p.Gln367Ter)

Gene: CHD2 (chromodomain helicase DNA binding protein 2; plus strand). Cytogenetic location: 15q26.1.
Variant type: single nucleotide variant.
Coding change: c.1099C>T on transcript NM_001271.4 (MANE Select); coding-DNA position 1099, C replaced by T.
Protein change: p.Gln367Ter; replaces glutamine 367 with a stop codon.
Molecular consequence: nonsense.
Genome position (GRCh38, 1-based): chr15:92,944,461, C>T. VCF-style: chr15-92944461-C-T. GRCh37 (hg19) VCF-style: chr15-93487691-C-T.
Other names: c.1099C>T, p.Gln367Ter (NM_001042572.3); short protein forms Q367*.
Identifiers: ClinVar variation 938297 (VCV000938297.8), dbSNP rs2053431103, ClinGen allele CA393903037.

ClinVar aggregate classification (germline): Pathogenic (1 of 4 stars; one submission).

Conditions:
Developmental and epileptic encephalopathy 94 (DEE94). Also called: Epileptic encephalopathy, childhood-onset; CHD2-Related Neurodevelopmental Disorders. Identifiers: Orphanet 1942, Orphanet 2382, MedGen C3809278, MONDO:0014150, OMIM 615369.

Submission:

Labcorp Genetics (formerly Invitae), Labcorp
Classification: Pathogenic for Developmental and epileptic encephalopathy 94. Last evaluated: 2019-07-01. Review status: criteria provided, single submitter. Criteria: Invitae Variant Classification Sherloc (09022015). Collection method: clinical testing. Allele origin: germline.
Comment: For these reasons, this variant has been classified as Pathogenic. Loss-of-function variants in CHD2 are known to be pathogenic (PMID: 23708187, 24207121). This variant has not been reported in the literature in individuals with CHD2-related conditions. This variant is not present in population databases (ExAC no frequency). This sequence change creates a premature translational stop signal (p.Gln367*) in the CHD2 gene. It is expected to result in an absent or disrupted protein product.

Literature cited by the submitters: PubMed 23708187; PubMed 24207121.